The following is an entry in ClinVar:

ClinVar aggregate classification (germline): Pathogenic. Review status: criteria provided, multiple submitters, no conflicts (2 of 4 stars). 2 submissions from 2 submitters: Pathogenic (2). Last evaluated 2024-09-14.

Conditions:
Familial adenomatous polyposis 3. Also called: NTHL1-Related Adenomatous Polyposis and Colorectal Cancer; NTHL1 Tumor Syndrome; NTHL1-related attenuated familial adenomatous polyposis; NTHL1-associated polyposis. Identifiers: Orphanet 220460, Orphanet 454840, MedGen C4225157, MONDO:0014630, OMIM 616415.
Hereditary cancer-predisposing syndrome. Also called: Neoplastic Syndromes, Hereditary; Tumor predisposition; Hereditary Cancer Syndrome; Hereditary neoplastic syndrome. Identifiers: Orphanet 140162, MedGen C0027672, MeSH D009386, MONDO:0015356.

Submissions (2):

Ambry Genetics
Classification: Pathogenic for Hereditary cancer-predisposing syndrome. Last evaluated: 2024-09-14. Review status: criteria provided, single submitter. Criteria: Ambry Variant Classification Scheme 2023. Collection method: clinical testing. Allele origin: germline.
Comment: The c.381dupA pathogenic mutation, located in coding exon 3 of the NTHL1 gene, results from a duplication of A at nucleotide position 381, causing a translational frameshift with a predicted alternate stop codon (p.R128Tfs*42). This variant is considered to be rare based on population cohorts in the Genome Aggregation Database (gnomAD). This alteration is expected to result in loss of function by premature protein truncation or nonsense-mediated mRNA decay. As such, this alteration is interpreted as a disease-causing mutation.

Myriad Genetics, Inc.
Classification: Pathogenic for Familial adenomatous polyposis 3. Last evaluated: 2023-09-05. Review status: criteria provided, single submitter. Criteria: Myriad Autosomal Dominant, Autosomal Recessive and X-Linked Classification Criteria (2023). Collection method: clinical testing. Allele origin: unknown.
Comment: This variant is considered pathogenic. This variant creates a frameshift predicted to result in premature protein truncation.

NM_002528.7(NTHL1):c.357dup (p.Arg120fs)

Gene: NTHL1 (nth like DNA glycosylase 1; minus strand). Cytogenetic location: 16p13.3.
Variant type: Duplication.
Coding change: c.357dup on transcript NM_002528.7 (MANE Select); coding-DNA position 357, one base duplicated (A; older notation c.357dupA).
Protein change: p.Arg120fs; shifts the reading frame from arginine 120.
Molecular consequence: frameshift variant. On other transcripts: intron variant (1).
Genome position (GRCh38, 1-based): chr16:2,044,798, T duplicated on the plus strand (A on the coding strand, the reverse complement: NTHL1 is on the minus strand). VCF-style (leftmost placement, unchanged base first): chr16-2044797-G-GT. GRCh37 (hg19) VCF-style: chr16-2094798-G-GT.
Other names: c.27dup, p.Arg10fs (NM_001318194.2); c.355-1072dup (NM_001318193.2); c.381dupA (NM_002528.5); short protein forms R10fs, R120fs.
Identifiers: ClinVar variation 2673811 (VCV002673811.2), dbSNP rs2548316459, ClinGen allele CA2695197405.
Genomic context (GRCh38, chr16:2,044,797, plus strand): 5'-CCGTCACCTGGTCTTTGGTTTGGCTGGAGAGCATCAGTGACAGCAGCACCTGGTACCTGC[G>GT]TACCTGCTTGTGCAGTGACAGGGACCGGGGTGGCGGCGGGTCCTGGGTGATTCCCTGGCC-3'